The following is an entry in ClinVar:

ClinVar aggregate classification (germline): Benign (1 of 4 stars; one submission).

Submission:

GeneDx
Classification: Benign. Last evaluated: 2018-06-14. Review status: criteria provided, single submitter. Criteria: GeneDx Variant Classification (06012015). Collection method: clinical testing. Allele origin: germline. Affected: yes.
Comment: This variant is considered likely benign or benign based on one or more of the following criteria: it is a conservative change, it occurs at a poorly conserved position in the protein, it is predicted to be benign by multiple in silico algorithms, and/or has population frequency not consistent with disease.

NM_000393.5(COL5A2):c.4113+90del

Gene: COL5A2 (collagen type V alpha 2 chain; minus strand). Cytogenetic location: 2q32.2.
Variant type: Deletion.
Coding change: c.4113+90del on transcript NM_000393.5 (MANE Select); 90 bases into the intron after coding-DNA position 4113, one base deleted (T; older notation c.4113+90delT).
Molecular consequence: intron variant.
Genome position (GRCh38, 1-based): chr2:189,036,526, A deleted on the plus strand (T on the coding strand, the reverse complement: COL5A2 is on the minus strand); the first of 7 consecutive A bases (chr2:189,036,526-189,036,532); deleting any one gives the same sequence. VCF-style (leftmost placement, unchanged base first): chr2-189036525-TA-T. GRCh37 (hg19) VCF-style: chr2-189901251-TA-T.
Identifiers: ClinVar variation 673586 (VCV000673586.1), dbSNP rs142224900, ClinGen allele CA62582586.